The following is an entry in ClinVar:

NM_000214.3(JAG1):c.148C>T (p.Gln50Ter)

Gene: JAG1 (jagged canonical Notch ligand 1; minus strand). Cytogenetic location: 20p12.2.
Variant type: single nucleotide variant.
Coding change: c.148C>T on transcript NM_000214.3 (MANE Select); coding-DNA position 148, C replaced by T.
Protein change: p.Gln50Ter; replaces glutamine 50 with a stop codon.
Molecular consequence: nonsense.
Genome position (GRCh38, 1-based): chr20:10,672,940, G>A on the plus strand (C>T on the coding strand, the complement: JAG1 is on the minus strand). VCF-style: chr20-10672940-G-A. GRCh37 (hg19) VCF-style: chr20-10653588-G-A.
Other names: c.148C>T, p.Gln50Ter (LRG_1191t1); short protein forms Q50*.
Identifiers: ClinVar variation 265423 (VCV000265423.3), dbSNP rs886039539, ClinGen allele CA10588696.
Genomic context (GRCh38, chr20:10,672,940, plus strand): 5'-CGTCGCGGGTGCACTTGCGGTCTCCCGGGTTCCGGGCGCCGCCGCAGCAGTTCCCGTTCT[G>A]CAGCTCCCCGTTCACGTTCTGCATGGACAGGATCTCCAACTCGAACTGACCCGAGGCCCC-3'

ClinVar aggregate classification (germline): Pathogenic. Review status: criteria provided, single submitter (1 of 4 stars). 2 submissions from 2 submitters: Pathogenic (1). 1 of the submissions does not count toward it. Last evaluated 2017-01-04.

Conditions:
Arteriohepatic dysplasia. Also called: Alagille Syndrome. Identifiers: Orphanet 52, MedGen C0085280, MeSH D016738, MONDO:0007318.

Allele frequency attached by ClinVar (database versions not stated): gnomAD exomes below 0.00001.
gnomAD v4.1: 1 of 1,613,076 alleles (0.000062%); highest among the groups gnomAD compares: Non-Finnish European, 0.000085%; no homozygotes.

Submissions (2):

GeneDx
Classification: Pathogenic. Last evaluated: 2017-01-04. Review status: criteria provided, single submitter. Criteria: GeneDx Variant Classification (06012015). Collection method: clinical testing. Allele origin: germline. Affected: yes.
Comment: The Q50X nonsense variant in the JAG1 gene has been reported previously in a patient with evidence of bile duct paucity and meeting three out of five clinical criteria for Alagille syndrome (Colliton et al., 2001). This pathogenic variant is predicted to cause loss of normal protein function either through protein truncation or nonsense-mediated mRNA decay. In addition, Q50X was not observed in approximately 6,500 individuals of European and African American ancestry in the NHLBI Exome Sequencing Project, indicating it is not a common benign variant in these populations.

Gharavi Laboratory, Columbia University
Classification: Likely pathogenic for Alagille syndrome. Last evaluated: 2024-11-05. Review status: no assertion criteria provided. Criteria: ACMG Guidelines, 2015. Collection method: case-control. Allele origin: germline. Affected: yes. Not counted in ClinVar's aggregate classification.